The following is an entry in ClinVar:

ClinVar aggregate classification (germline): Uncertain significance (1 of 4 stars; one submission).

Conditions:
Juvenile polyposis syndrome (JPS). Identifiers: Orphanet 2929, MedGen C0345893, MONDO:0017380, OMIM 174900.

Submission:

Labcorp Genetics (formerly Invitae), Labcorp
Classification: Uncertain significance for Juvenile polyposis syndrome. Last evaluated: 2024-02-03. Review status: criteria provided, single submitter. Criteria: Invitae Variant Classification Sherloc (09022015). Collection method: clinical testing. Allele origin: germline.
Comment: This sequence change replaces glutamine, which is neutral and polar, with histidine, which is basic and polar, at codon 455 of the SMAD4 protein (p.Gln455His). This variant is not present in population databases (gnomAD no frequency). This variant has not been reported in the literature in individuals affected with SMAD4-related conditions. Advanced modeling of protein sequence and biophysical properties (such as structural, functional, and spatial information, amino acid conservation, physicochemical variation, residue mobility, and thermodynamic stability) has been performed at Invitae for this missense variant, however the output from this modeling did not meet the statistical confidence thresholds required to predict the impact of this variant on SMAD4 protein function. In summary, the available evidence is currently insufficient to determine the role of this variant in disease. Therefore, it has been classified as a Variant of Uncertain Significance.

NM_005359.6(SMAD4):c.1365A>C (p.Gln455His)

Gene: SMAD4 (SMAD family member 4; plus strand). Cytogenetic location: 18q21.2.
Variant type: single nucleotide variant.
Coding change: c.1365A>C on transcript NM_005359.6 (MANE Select); coding-DNA position 1365, A replaced by C.
Protein change: p.Gln455His; replaces glutamine 455 with histidine.
Molecular consequence: missense variant. On other transcripts: non-coding transcript variant (1).
Genome position (GRCh38, 1-based): chr18:51,076,694, A>C. VCF-style: chr18-51076694-A-C. GRCh37 (hg19) VCF-style: chr18-48603064-A-C.
Other names: c.1365A>C, p.Gln455His (NM_001407041.1, NM_001407042.1); short protein forms Q455H.
Identifiers: ClinVar variation 3637580 (VCV003637580.2).